The following is an entry in ClinVar:

NM_015374.3(SUN2):c.544T>C (p.Trp182Arg)

Gene: SUN2 (Sad1 and UNC84 domain containing 2; minus strand). Cytogenetic location: 22q13.1.
Variant type: single nucleotide variant.
Coding change: c.544T>C on transcript NM_015374.3 (MANE Select); coding-DNA position 544, T replaced by C.
Protein change: p.Trp182Arg; replaces tryptophan 182 with arginine.
Molecular consequence: missense variant. On other transcripts: intron variant (1).
Genome position (GRCh38, 1-based): chr22:38,749,836, A>G on the plus strand (T>C on the coding strand, the complement: SUN2 is on the minus strand). VCF-style: chr22-38749836-A-G. GRCh37 (hg19) VCF-style: chr22-39145841-A-G.
Other names: c.607T>C, p.Trp203Arg (NM_001199579.2, NM_001394428.1); c.544T>C, p.Trp182Arg (NM_001199580.2, NM_001394427.1, NM_001394431.1 and 9 more transcripts); c.589T>C, p.Trp197Arg (NM_001394429.1, NM_001394430.1); c.454T>C, p.Trp152Arg (NM_001394438.1); c.406T>C, p.Trp136Arg (NM_001394439.1, NM_001394440.1, NM_001394441.1); c.123-1053T>C (NM_001394443.1); short protein forms W136R, W152R, W182R, W197R, W203R.
Identifiers: ClinVar variation 3620524 (VCV003620524.2).

ClinVar aggregate classification (germline): Uncertain significance (1 of 4 stars; one submission).

Conditions:
Emery-Dreifuss muscular dystrophy (EDMD). Also called: Scapuloperoneal syndrome, X-linked (formerly); Humeroperoneal neuromuscular disease, (formerly). Identifiers: Orphanet 261, MedGen C0410189, MONDO:0016830.

gnomAD v4.1: 19 of 1,613,742 alleles (0.0012%); highest among the groups gnomAD compares: South Asian, 0.0044%; no homozygotes.

Submission:

Labcorp Genetics (formerly Invitae), Labcorp
Classification: Uncertain significance for Emery-Dreifuss muscular dystrophy. Last evaluated: 2024-03-25. Review status: criteria provided, single submitter. Criteria: Invitae Variant Classification Sherloc (09022015). Collection method: clinical testing. Allele origin: germline.
Comment: This sequence change replaces tryptophan, which is neutral and slightly polar, with arginine, which is basic and polar, at codon 182 of the SUN2 protein (p.Trp182Arg). This variant is present in population databases (rs768058646, gnomAD 0.007%). This variant has not been reported in the literature in individuals affected with SUN2-related conditions. An algorithm developed to predict the effect of missense changes on protein structure and function (PolyPhen-2) suggests that this variant is likely to be disruptive. In summary, the available evidence is currently insufficient to determine the role of this variant in disease. Therefore, it has been classified as a Variant of Uncertain Significance.